The following is an entry in ClinVar:

ClinVar aggregate classification (germline): Likely benign. Review status: criteria provided, multiple submitters, no conflicts (2 of 4 stars). 2 submissions from 2 submitters: Likely benign (2). Last evaluated 2026-06-26.

Conditions:
Sessile serrated polyposis cancer syndrome (SSPCS). Identifiers: Orphanet 157798, MedGen C4310714, MONDO:0014919, OMIM 617108.

Allele frequency attached by ClinVar (database versions not stated): ExAC 0.00001; gnomAD 0.00001; TOPMed 0.00002.

Submissions (2):

Myriad Genetics, Inc.
Classification: Likely benign for Sessile serrated polyposis cancer syndrome. Last evaluated: 2026-06-26. Review status: criteria provided, single submitter. Criteria: Myriad Autosomal Dominant, Autosomal Recessive and X-Linked Classification Criteria (2023). Collection method: clinical testing. Allele origin: unknown.
Comment: This variant is considered likely benign. This variant is intronic and is not expected to impact mRNA splicing.

Labcorp Genetics (formerly Invitae), Labcorp
Classification: Likely benign. Last evaluated: 2023-02-18. Review status: criteria provided, single submitter. Criteria: Invitae Variant Classification Sherloc (09022015). Collection method: clinical testing. Allele origin: germline.

NM_017763.6(RNF43):c.451-13T>C

Gene: RNF43 (ring finger protein 43; minus strand). Cytogenetic location: 17q22.
Variant type: single nucleotide variant.
Coding change: c.451-13T>C on transcript NM_017763.6 (MANE Select); 13 bases into the intron before coding-DNA position 451, T replaced by C.
Molecular consequence: intron variant.
Genome position (GRCh38, 1-based): chr17:58,363,419, A>G on the plus strand (T>C on the coding strand, the complement: RNF43 is on the minus strand). VCF-style: chr17-58363419-A-G. GRCh37 (hg19) VCF-style: chr17-56440780-A-G.
Other names: c.451-13T>C (NM_001438822.1, NM_001305544.3, NM_001438820.1 and 1 more transcripts); c.70-13T>C (NM_001305545.2, NM_001437987.1).
Identifiers: ClinVar variation 1592355 (VCV001592355.10), dbSNP rs760796801, ClinGen allele CA8673412.